The following is an entry in ClinVar:

NM_014915.3(ANKRD26):c.-77C>T

Gene: ANKRD26 (ankyrin repeat domain 26; minus strand). Cytogenetic location: 10p12.1.
Variant type: single nucleotide variant.
Coding change: c.-77C>T on transcript NM_014915.3 (MANE Select); 77 bases upstream of the start codon, C replaced by T.
Molecular consequence: 5 prime UTR variant.
Genome position (GRCh38, 1-based): chr10:27,100,403, G>A on the plus strand (C>T on the coding strand, the complement: ANKRD26 is on the minus strand). VCF-style: chr10-27100403-G-A. GRCh37 (hg19) VCF-style: chr10-27389332-G-A.
Other names: c.-77C>T (NM_001256053.2).
Identifiers: ClinVar variation 1970072 (VCV001970072.5), dbSNP rs546768605, ClinGen allele CA926162603.

ClinVar aggregate classification (germline): Uncertain significance (1 of 4 stars; one submission).

gnomAD v4.1: 20 of 1,580,232 alleles (0.0013%); highest among the groups gnomAD compares: South Asian, 0.022%; no homozygotes.

Submission:

Labcorp Genetics (formerly Invitae), Labcorp
Classification: Uncertain significance. Last evaluated: 2022-04-16. Review status: criteria provided, single submitter. Criteria: Invitae Variant Classification Sherloc (09022015). Collection method: clinical testing. Allele origin: germline.
Comment: This variant is not present in population databases (gnomAD no frequency). This variant occurs in a non-coding region of the ANKRD26 gene. It does not change the encoded amino acid sequence of the ANKRD26 protein. This variant has not been reported in the literature in individuals affected with ANKRD26-related conditions. In summary, the available evidence is currently insufficient to determine the role of this variant in disease. Therefore, it has been classified as a Variant of Uncertain Significance.